The following is an entry in ClinVar:

NM_000179.2(MSH6):c.-448G>A

Genes: MSH6 (mutS homolog 6; plus strand), LOC129933706 (ATAC-STARR-seq lymphoblastoid silent region 11467; plus strand). Cytogenetic location: 2p16.3.
Variant type: single nucleotide variant.
Coding change: c.-448G>A on transcript NM_000179.2; 448 bases upstream of the start codon, G replaced by A.
Genome position (GRCh38, 1-based): chr2:47,782,786, G>A. VCF-style: chr2-47782786-G-A. GRCh37 (hg19) VCF-style: chr2-48009925-G-A.
Identifiers: ClinVar variation 89162 (VCV000089162.6), dbSNP rs3136229, ClinGen allele CA330338.

ClinVar aggregate classification (germline): Benign. Review status: reviewed by expert panel (3 of 4 stars). 2 submissions from 2 submitters: Benign (1). 1 of the submissions does not count toward it. Last evaluated 2013-09-05.

Conditions:
Lynch syndrome. Identifiers: Orphanet 144, MedGen C4552100, MONDO:0005835. Disease mechanism: loss of function.

Allele frequency attached by ClinVar (database versions not stated): 1000 Genomes Project 0.05072; TOPMed 0.08368; gnomAD 0.09175 and 0.09540; 1000 Genomes Project 30x 0.05137.

Submissions (2):

International Society for Gastrointestinal Hereditary Tumours (InSiGHT)
Classification: Benign for Lynch Syndrome. Last evaluated: 2013-09-05. Review status: reviewed by expert panel. Criteria: Guidelines v1.9. Collection method: research. Allele origin: germline.
Comment: MAF >1%

Classified with v1.9 guidelines
ClinVar note: Converted during submission from no known pathogenicity to Benign.

GeneDx
Classification: Benign. Last evaluated: 2019-01-10. Review status: criteria provided, single submitter. Criteria: GeneDx Variant Classification Process June 2021. Collection method: clinical testing. Allele origin: germline. Affected: yes. Not counted in ClinVar's aggregate classification.